The following is an entry in ClinVar:

NM_000078.3(CETP):c.1244C>T (p.Thr415Ile)

Gene: CETP (cholesteryl ester transfer protein; plus strand). Cytogenetic location: 16q13.
Variant type: single nucleotide variant.
Coding change: c.1244C>T on transcript NM_000078.3 (MANE Select); coding-DNA position 1244, C replaced by T.
Protein change: p.Thr415Ile; replaces threonine 415 with isoleucine.
Molecular consequence: missense variant.
Genome position (GRCh38, 1-based): chr16:56,981,676, C>T. VCF-style: chr16-56981676-C-T. GRCh37 (hg19) VCF-style: chr16-57015588-C-T.
Other names: c.1244C>T (NM_000078.2); c.1064C>T, p.Thr355Ile (NM_001286085.2); short protein forms T415I, T355I.
Identifiers: ClinVar variation 2174474 (VCV002174474.5), dbSNP rs190964678, ClinGen allele CA8071309.

ClinVar aggregate classification (germline): Uncertain significance. Review status: criteria provided, multiple submitters, no conflicts (2 of 4 stars). 2 submissions from 2 submitters: Uncertain significance (2). Last evaluated 2026-01-27.

Allele frequency attached by ClinVar (database versions not stated): gnomAD 0.00002; 1000 Genomes Project 0.00020; 1000 Genomes Project 30x 0.00031.
gnomAD v4.1: 13 of 1,613,876 alleles (0.00081%); highest among the groups gnomAD compares: Admixed American, 0.02%; no homozygotes.

Submissions (2):

Labcorp Genetics (formerly Invitae), Labcorp
Classification: Uncertain significance. Last evaluated: 2026-01-27. Review status: criteria provided, single submitter. Criteria: Invitae Variant Classification Sherloc (09022015). Collection method: clinical testing. Allele origin: germline.
Comment: This sequence change replaces threonine, which is neutral and polar, with isoleucine, which is neutral and non-polar, at codon 415 of the CETP protein (p.Thr415Ile). This variant is present in population databases (rs190964678, gnomAD 0.01%). This variant has not been reported in the literature in individuals affected with CETP-related conditions. ClinVar contains an entry for this variant (Variation ID: 2174474). Invitae Evidence Modeling of protein sequence and biophysical properties (such as structural, functional, and spatial information, amino acid conservation, physicochemical variation, residue mobility, and thermodynamic stability) indicates that this missense variant is not expected to disrupt CETP protein function with a negative predictive value of 80%. In summary, the available evidence is currently insufficient to determine the role of this variant in disease. Therefore, it has been classified as a Variant of Uncertain Significance.

Ambry Genetics
Classification: Uncertain significance. Last evaluated: 2025-04-12. Review status: criteria provided, single submitter. Criteria: Ambry Variant Classification Scheme 2023. Collection method: clinical testing. Allele origin: germline.